The following is an entry in ClinVar:

NM_000160.5(GCGR):c.375C>T (p.Gly125=)

Gene: GCGR (glucagon receptor; plus strand). Cytogenetic location: 17q25.3.
Variant type: single nucleotide variant.
Coding change: c.375C>T on transcript NM_000160.5 (MANE Select); coding-DNA position 375, C replaced by T.
Protein change: p.Gly125=; no amino-acid change (glycine 125 retained).
Molecular consequence: synonymous variant.
Genome position (GRCh38, 1-based): chr17:81,811,113, C>T. VCF-style: chr17-81811113-C-T. GRCh37 (hg19) VCF-style: chr17-79768989-C-T.
Identifiers: ClinVar variation 3670845 (VCV003670845.3).

ClinVar aggregate classification (germline): Uncertain significance (1 of 4 stars; one submission).

gnomAD v4.1: 294 of 1,536,182 alleles (0.019%); highest among the groups gnomAD compares: Non-Finnish European, 0.023%; no homozygotes.

Submissions (2):

Labcorp Genetics (formerly Invitae), Labcorp
Classification: Uncertain significance. Last evaluated: 2024-12-27. Review status: criteria provided, single submitter. Criteria: Invitae Variant Classification Sherloc (09022015). Collection method: clinical testing. Allele origin: germline.
Comment: This sequence change affects codon 125 of the GCGR mRNA. It is a 'silent' change, meaning that it does not change the encoded amino acid sequence of the GCGR protein. This variant is present in population databases (rs371636532, gnomAD 0.02%). This variant has not been reported in the literature in individuals affected with GCGR-related conditions. Algorithms developed to predict the effect of sequence changes on RNA splicing suggest that this variant may create or strengthen a splice site. In summary, the available evidence is currently insufficient to determine the role of this variant in disease. Therefore, it has been classified as a Variant of Uncertain Significance.

Dr. Peter K. Rogan Lab, Western University
No classification provided (evidence only). Condition: Uterine corpus endometrial carcinoma. Review status: no classification provided. Collection method: in vitro. Allele origin: not applicable. Functional consequence: retained intron. Not counted in ClinVar's aggregate classification.